The following is an entry in ClinVar:

NM_005120.3(MED12):c.4488C>T (p.Arg1496=)

Gene: MED12 (mediator complex subunit 12; plus strand). Cytogenetic location: Xq13.1.
Variant type: single nucleotide variant.
Coding change: c.4488C>T on transcript NM_005120.3 (MANE Select); coding-DNA position 4488, C replaced by T.
Protein change: p.Arg1496=; no amino-acid change (arginine 1496 retained).
Molecular consequence: synonymous variant.
Genome position (GRCh38, 1-based): chrX:71,132,917, C>T. VCF-style: chrX-71132917-C-T. GRCh37 (hg19) VCF-style: chrX-70352767-C-T.
Identifiers: ClinVar variation 211476 (VCV000211476.36), dbSNP rs531754497, ClinGen allele CA205673.

ClinVar aggregate classification (germline): Conflicting classifications of pathogenicity. Review status: criteria provided, conflicting classifications (1 of 4 stars). 6 submissions from 6 submitters: Uncertain significance (1); Benign (2); Likely benign (2). 1 of the submissions does not count toward it. Last evaluated 2026-01-01.

Conditions:
FG syndrome (FGS). Identifiers: MedGen C0220769, MONDO:0002010.
Familial thoracic aortic aneurysm and aortic dissection (TAAD). Also called: Thoracic aortic aneurysms and dissections. Identifiers: Orphanet 91387, MedGen C4707243, MONDO:0019625.
MED12-Related Disorders. Also called: MED12-related condition; MED12-related disorder. Identifiers: MedGen CN381102.

Allele frequency attached by ClinVar (database versions not stated): gnomAD exomes 0.00006 and 0.00018; gnomAD 0.00012 and 0.00013; 1000 Genomes Project 30x 0.00021; TOPMed 0.00021; 1000 Genomes Project 0.00026; ExAC 0.00030.

Submissions (7):

CeGaT Center for Human Genetics Tuebingen
Classification: Likely benign. Last evaluated: 2026-01-01. Review status: criteria provided, single submitter. Criteria: CeGaT Center For Human Genetics Tuebingen Variant Classification Criteria Version 2. Collection method: clinical testing. Allele origin: germline. Affected: yes. Observed: 2 variant alleles.
Comment: MED12: BP4, BP7, BS2

Labcorp Genetics (formerly Invitae), Labcorp
Classification: Benign for FG syndrome. Last evaluated: 2025-10-28. Review status: criteria provided, single submitter. Criteria: Invitae Variant Classification Sherloc (09022015). Collection method: clinical testing. Allele origin: germline.

GeneDx
Classification: Benign. Last evaluated: 2020-06-25. Review status: criteria provided, single submitter. Criteria: GeneDx Variant Classification Process June 2021. Collection method: clinical testing. Allele origin: germline. Affected: yes.

Ambry Genetics
Classification: Likely benign for Familial thoracic aortic aneurysm and aortic dissection. Last evaluated: 2016-06-13. Review status: criteria provided, single submitter. Criteria: Ambry Variant Classification Scheme 2023. Collection method: clinical testing. Allele origin: germline.

Genetic Services Laboratory, University of Chicago
Classification: Uncertain significance. Last evaluated: 2014-10-24. Review status: criteria provided, single submitter. Criteria: ACMG Guidelines, 2015. Collection method: clinical testing. Allele origin: germline.

PreventionGenetics, part of Exact Sciences
Classification: Likely benign for MED12-related condition. Last evaluated: 2023-05-16. Review status: no assertion criteria provided. Collection method: clinical testing. Allele origin: germline. Not counted in ClinVar's aggregate classification.
Comment: This variant is classified as likely benign based on ACMG/AMP sequence variant interpretation guidelines (Richards et al. 2015 PMID: 25741868, with internal and published modifications).

Dr. Peter K. Rogan Lab, Western University
No classification provided (evidence only). Condition: Nonpapillary renal cell carcinoma. Review status: no classification provided. Collection method: in vitro. Allele origin: not applicable. Functional consequence: retained intron. Not counted in ClinVar's aggregate classification.